The following is an entry in ClinVar:

NM_020461.4(TUBGCP6):c.2853C>T (p.Tyr951=)

Gene: TUBGCP6 (tubulin gamma complex component 6; minus strand). Cytogenetic location: 22q13.33.
Variant type: single nucleotide variant.
Coding change: c.2853C>T on transcript NM_020461.4 (MANE Select); coding-DNA position 2853, C replaced by T.
Protein change: p.Tyr951=; no amino-acid change (tyrosine 951 retained).
Molecular consequence: synonymous variant.
Genome position (GRCh38, 1-based): chr22:50,221,506, G>A on the plus strand (C>T on the coding strand, the complement: TUBGCP6 is on the minus strand). VCF-style: chr22-50221506-G-A. GRCh37 (hg19) VCF-style: chr22-50659935-G-A.
Identifiers: ClinVar variation 795097 (VCV000795097.9), dbSNP rs141169740, ClinGen allele CA10308103.

ClinVar aggregate classification (germline): Likely benign. Review status: criteria provided, multiple submitters, no conflicts (2 of 4 stars). 2 submissions from 2 submitters: Likely benign (2). Last evaluated 2026-06-22.

Conditions:
TUBGCP6-related disorder. Also called: TUBGCP6-related condition.

Allele frequency attached by ClinVar (database versions not stated): ExAC 0.00002; gnomAD exomes 0.00002; TOPMed 0.00002; gnomAD 0.00003 and 0.00004; ESP Exome Variant Server 0.00008.

Submissions (2):

PreventionGenetics, part of Exact Sciences
Classification: Likely benign for TUBGCP6-related condition. Last evaluated: 2026-06-22. Review status: criteria provided, single submitter. Criteria: ACMG Guidelines, 2015. Collection method: clinical testing. Allele origin: germline.
Comment: This variant is classified as likely benign based on ACMG/AMP sequence variant interpretation guidelines (Richards et al. 2015 PMID: 25741868, with internal and published modifications).

Labcorp Genetics (formerly Invitae), Labcorp
Classification: Likely benign. Last evaluated: 2025-08-24. Review status: criteria provided, single submitter. Criteria: Invitae Variant Classification Sherloc (09022015). Collection method: clinical testing. Allele origin: germline.